The following is an entry in ClinVar:

ClinVar aggregate classification (germline): Conflicting classifications of pathogenicity. Review status: criteria provided, conflicting classifications (1 of 4 stars). 3 submissions from 3 submitters: Uncertain significance (2); Benign (1). Last evaluated 2024-12-16.

Conditions:
Hereditary cancer-predisposing syndrome. Also called: Neoplastic Syndromes, Hereditary; Hereditary Cancer Syndrome; Hereditary neoplastic syndrome; Tumor predisposition. Identifiers: Orphanet 140162, MedGen C0027672, MeSH D009386, MONDO:0015356.
Ovarian cancer. Also called: OVARIAN CANCER, SOMATIC. Identifiers: Orphanet 213500, MedGen C1140680, MONDO:0008170, OMIM 167000.
Oligodontia-cancer predisposition syndrome. Also called: TOOTH AGENESIS-COLORECTAL CANCER SYNDROME. Identifiers: Orphanet 300576, MedGen C1837750, MONDO:0012075, OMIM 608615. Disease mechanism: loss of function.

Submissions (3):

Ambry Genetics
Classification: Uncertain significance for Hereditary cancer-predisposing syndrome. Last evaluated: 2024-12-16. Review status: criteria provided, single submitter. Criteria: Ambry Variant Classification Scheme 2023. Collection method: clinical testing. Allele origin: germline.
Comment: The p.T8I variant (also known as c.23C>T), located in coding exon 1 of the AXIN2 gene, results from a C to T substitution at nucleotide position 23. The threonine at codon 8 is replaced by isoleucine, an amino acid with similar properties. This amino acid position is not well conserved in available vertebrate species. In addition, this alteration is predicted to be tolerated by in silico analysis. Based on the available evidence, the clinical significance of this variant remains unclear.

Labcorp Genetics (formerly Invitae), Labcorp
Classification: Uncertain significance for Oligodontia-cancer predisposition syndrome. Last evaluated: 2022-09-01. Review status: criteria provided, single submitter. Criteria: Invitae Variant Classification Sherloc (09022015). Collection method: clinical testing. Allele origin: germline.
Comment: Algorithms developed to predict the effect of missense changes on protein structure and function are either unavailable or do not agree on the potential impact of this missense change (SIFT: "Deleterious"; PolyPhen-2: "Benign"; Align-GVGD: "Class C0"). This sequence change replaces threonine, which is neutral and polar, with isoleucine, which is neutral and non-polar, at codon 8 of the AXIN2 protein (p.Thr8Ile). This variant is not present in population databases (gnomAD no frequency). This variant has not been reported in the literature in individuals affected with AXIN2-related conditions. ClinVar contains an entry for this variant (Variation ID: 1061511). In summary, the available evidence is currently insufficient to determine the role of this variant in disease. Therefore, it has been classified as a Variant of Uncertain Significance.

Laboratory of Molecular Epidemiology of Birth Defects, West China Second University Hospital, Sichuan University
Classification: Benign for Ovarian cancer. Last evaluated: 2022-01-01. Review status: criteria provided, single submitter. Criteria: ACMG Guidelines, 2015. Collection method: clinical testing. Allele origin: germline. Affected: yes.

NM_004655.4(AXIN2):c.23C>T (p.Thr8Ile)

Gene: AXIN2 (axin 2; minus strand). Cytogenetic location: 17q24.1.
Variant type: single nucleotide variant.
Coding change: c.23C>T on transcript NM_004655.4 (MANE Select); coding-DNA position 23, C replaced by T.
Protein change: p.Thr8Ile; replaces threonine 8 with isoleucine.
Molecular consequence: missense variant.
Genome position (GRCh38, 1-based): chr17:65,558,598, G>A on the plus strand (C>T on the coding strand, the complement: AXIN2 is on the minus strand). VCF-style: chr17-65558598-G-A. GRCh37 (hg19) VCF-style: chr17-63554716-G-A.
Other names: c.23C>T, p.Thr8Ile (NM_001363813.1); c.23C>T (NM_004655.3); short protein forms T8I.
Identifiers: ClinVar variation 1061511 (VCV001061511.11), dbSNP rs2144592269, ClinGen allele CA400682461.